The following is an entry in ClinVar:

ClinVar aggregate classification (germline): Uncertain significance. Review status: criteria provided, multiple submitters, no conflicts (2 of 4 stars). 2 submissions from 2 submitters: Uncertain significance (2). Last evaluated 2024-05-17.

Submissions (2):

Ambry Genetics
Classification: Uncertain significance. Last evaluated: 2024-05-17. Review status: criteria provided, single submitter. Criteria: Ambry Variant Classification Scheme 2023. Collection method: clinical testing. Allele origin: germline.
Comment: The p.L194V variant (also known as c.580C>G), located in coding exon 3 of the GALNT12 gene, results from a C to G substitution at nucleotide position 580. The leucine at codon 194 is replaced by valine, an amino acid with highly similar properties. This amino acid position is well conserved in available vertebrate species. In addition, this alteration is predicted to be tolerated by in silico analysis. Since supporting evidence is limited at this time, the clinical significance of this alteration remains unclear.

Labcorp Genetics (formerly Invitae), Labcorp
Classification: Uncertain significance. Last evaluated: 2020-12-01. Review status: criteria provided, single submitter. Criteria: Invitae Variant Classification Sherloc (09022015). Collection method: clinical testing. Allele origin: germline.
Comment: In summary, the available evidence is currently insufficient to determine the role of this variant in disease. Therefore, it has been classified as a Variant of Uncertain Significance. Algorithms developed to predict the effect of missense changes on protein structure and function are either unavailable or do not agree on the potential impact of this missense change (SIFT: "Tolerated"; PolyPhen-2: "Probably Damaging"; Align-GVGD: "Class C0"). This variant has not been reported in the literature in individuals with GALNT12-related conditions. ClinVar contains an entry for this variant (Variation ID: 825986). This variant is not present in population databases (ExAC no frequency). This sequence change replaces leucine with valine at codon 194 of the GALNT12 protein (p.Leu194Val). The leucine residue is moderately conserved and there is a small physicochemical difference between leucine and valine.

NM_024642.5(GALNT12):c.580C>G (p.Leu194Val)

Gene: GALNT12 (polypeptide N-acetylgalactosaminyltransferase 12; plus strand). Cytogenetic location: 9q22.33.
Variant type: single nucleotide variant.
Coding change: c.580C>G on transcript NM_024642.5 (MANE Select); coding-DNA position 580, C replaced by G.
Protein change: p.Leu194Val; replaces leucine 194 with valine.
Molecular consequence: missense variant.
Genome position (GRCh38, 1-based): chr9:98,826,790, C>G. VCF-style: chr9-98826790-C-G. GRCh37 (hg19) VCF-style: chr9-101589072-C-G.
Other names: short protein forms L194V.
Identifiers: ClinVar variation 825986 (VCV000825986.13), dbSNP rs1588446515, ClinGen allele CA374217380.
Genomic context (GRCh38, chr9:98,826,790, plus strand): 5'-GTTGCTTTGTTTGCCTCCCTAGAGCACCTGAAGGAGCGCTTGGCCAATGAGCTTTCGGGA[C>G]TGCCCAAGGTGCGCCTGATCCGCGCCAACAAGAGAGAGGGCCTGGTGCGAGCCCGGCTGC-3'
Protein context (NP_078918.3, residues 184-204): KERLANELSG[Leu194Val]PKVRLIRANK